The following is an entry in ClinVar:

ClinVar aggregate classification (germline): Pathogenic. Review status: criteria provided, multiple submitters, no conflicts (2 of 4 stars). 2 submissions from 2 submitters: Pathogenic (2). Last evaluated 2025-07-16.

Conditions:
Osteogenesis imperfecta type I (OI1). Also called: OI, TYPE I; OSTEOGENESIS IMPERFECTA TARDA; OSTEOGENESIS IMPERFECTA WITH BLUE SCLERAE; Classic Non-deforming Osteogenesis Imperfecta with Blue Sclerae; Lobstein disease; Osteogenesis imperfecta type 1. Identifiers: Orphanet 216796, Orphanet 666, MedGen C0023931, MONDO:0008146, OMIM 166200. Disease mechanism: loss of function.
Ehlers-Danlos syndrome, classic type, 1 (EDSCL1). Also called: EHLERS-DANLOS SYNDROME, GRAVIS TYPE; EHLERS-DANLOS SYNDROME, SEVERE CLASSIC TYPE; EDS I; Ehlers-Danlos Syndrome, Classic Type, COL5A1-Related; Ehlers-Danlos syndrome, type 1. Identifiers: MedGen C0268335, MONDO:0019567, OMIM 130000.

Submissions (2):

Clinical Biomedical Laboratory, Shriners Hospital For Children - Canada
Classification: Pathogenic for Osteogenesis imperfecta type I. Last evaluated: 2025-07-16. Review status: criteria provided, single submitter. Criteria: ACMG Guidelines, 2015. Collection method: clinical testing. Allele origin: germline. Affected: yes.
Comment: This variant is predicted to substitute a glycine residue by a serine residue. Glycine substitutions in the triple helical domain of collagen type I alpha 2 chain cause disruption in the formation of the triple helix in the collagen molecule and are a typical cause of osteogenesis imperfecta. The variant is not present in the gnomAD database (version 2.1.1), suggesting it is very rare. Prediction tools: (REVEL: 0.98) suggest that the change is damaging to protein function.

Labcorp Genetics (formerly Invitae), Labcorp
Classification: Pathogenic for Osteogenesis imperfecta type I; Ehlers-Danlos syndrome, classic type, 1. Last evaluated: 2023-01-20. Review status: criteria provided, single submitter. Criteria: Invitae Variant Classification Sherloc (09022015). Collection method: clinical testing. Allele origin: germline.
Comment: For these reasons, this variant has been classified as Pathogenic. This variant disrupts the triple helix domain of COL1A2. Glycine residues within the Gly-Xaa-Yaa repeats of the triple helix domain are required for the structure and stability of fibrillar collagens (PMID: 7695699, 8218237, 19344236). In COL1A2, variants affecting these glycine residues are significantly enriched in individuals with disease (PMID: 9016532, 17078022) compared to the general population (ExAC). Advanced modeling of protein sequence and biophysical properties (such as structural, functional, and spatial information, amino acid conservation, physicochemical variation, residue mobility, and thermodynamic stability) performed at Invitae indicates that this missense variant is expected to disrupt COL1A2 protein function. ClinVar contains an entry for this variant (Variation ID: 456808). This missense change has been observed in individuals with osteogenesis imperfecta (PMID: 16879195; Invitae). This variant is not present in population databases (gnomAD no frequency). This sequence change replaces glycine, which is neutral and non-polar, with serine, which is neutral and polar, at codon 505 of the COL1A2 protein (p.Gly505Ser).

Literature cited by the submitters: PubMed 7695699 (cited by Labcorp Genetics (formerly Invitae), Labcorp); PubMed 8218237 (cited by Labcorp Genetics (formerly Invitae), Labcorp); PubMed 19344236 (cited by Labcorp Genetics (formerly Invitae), Labcorp); PubMed 9016532 (cited by Labcorp Genetics (formerly Invitae), Labcorp); PubMed 17078022 (cited by Labcorp Genetics (formerly Invitae), Labcorp); PubMed 16879195 (cited by Labcorp Genetics (formerly Invitae), Labcorp).

NM_000089.4(COL1A2):c.1513G>A (p.Gly505Ser)

Gene: COL1A2 (collagen type I alpha 2 chain; plus strand). Cytogenetic location: 7q21.3.
Variant type: single nucleotide variant.
Coding change: c.1513G>A on transcript NM_000089.4 (MANE Select); coding-DNA position 1513, G replaced by A.
Protein change: p.Gly505Ser; replaces glycine 505 with serine.
Molecular consequence: missense variant.
Genome position (GRCh38, 1-based): chr7:94,413,092, G>A. VCF-style: chr7-94413092-G-A. GRCh37 (hg19) VCF-style: chr7-94042404-G-A.
Other names: short protein forms G505S.
Identifiers: ClinVar variation 456808 (VCV000456808.13), dbSNP rs1554396679, ClinGen allele CA368222009.